The following is an entry in ClinVar:

ClinVar aggregate classification (germline): Uncertain significance. Review status: criteria provided, multiple submitters, no conflicts (2 of 4 stars). 2 submissions from 2 submitters: Uncertain significance (2). Last evaluated 2025-04-10.

Allele frequency attached by ClinVar (database versions not stated): ESP Exome Variant Server 0.00008; ExAC 0.00021; gnomAD 0.00013; gnomAD exomes 0.00032; TOPMed 0.00016.
gnomAD v4.1: 485 of 1,612,790 alleles (0.03%); highest among the groups gnomAD compares: Non-Finnish European, 0.038%; no homozygotes.

Submissions (2):

Ambry Genetics
Classification: Uncertain significance. Last evaluated: 2025-04-10. Review status: criteria provided, single submitter. Criteria: Ambry Variant Classification Scheme 2023. Collection method: clinical testing. Allele origin: germline.

Labcorp Genetics (formerly Invitae), Labcorp
Classification: Uncertain significance. Last evaluated: 2022-09-17. Review status: criteria provided, single submitter. Criteria: Invitae Variant Classification Sherloc (09022015). Collection method: clinical testing. Allele origin: germline.
Comment: This sequence change replaces proline, which is neutral and non-polar, with leucine, which is neutral and non-polar, at codon 53 of the NCKAP1L protein (p.Pro53Leu). This variant is present in population databases (rs201460980, gnomAD 0.04%). This variant has not been reported in the literature in individuals affected with NCKAP1L-related conditions. Algorithms developed to predict the effect of missense changes on protein structure and function are either unavailable or do not agree on the potential impact of this missense change (SIFT: "Tolerated"; PolyPhen-2: "Possibly Damaging"; Align-GVGD: "Class C15"). In summary, the available evidence is currently insufficient to determine the role of this variant in disease. Therefore, it has been classified as a Variant of Uncertain Significance.

NM_005337.5(NCKAP1L):c.158C>T (p.Pro53Leu)

Gene: NCKAP1L (NCK associated protein 1 like; plus strand). Cytogenetic location: 12q13.13.
Variant type: single nucleotide variant.
Coding change: c.158C>T on transcript NM_005337.5 (MANE Select); coding-DNA position 158, C replaced by T.
Protein change: p.Pro53Leu; replaces proline 53 with leucine.
Molecular consequence: missense variant.
Genome position (GRCh38, 1-based): chr12:54,499,410, C>T. VCF-style: chr12-54499410-C-T. GRCh37 (hg19) VCF-style: chr12-54893194-C-T.
Other names: c.8C>T, p.Pro3Leu (NM_001184976.2); c.158C>T (NM_005337.4); short protein forms P3L, P53L.
Identifiers: ClinVar variation 2165287 (VCV002165287.3), dbSNP rs201460980, ClinGen allele CA6608725.